The following is an entry in ClinVar:

NM_000130.5(F5):c.1391C>T (p.Thr464Ile)

Gene: F5 (coagulation factor V; minus strand). Cytogenetic location: 1q24.2.
Variant type: single nucleotide variant.
Coding change: c.1391C>T on transcript NM_000130.5 (MANE Select); coding-DNA position 1391, C replaced by T.
Protein change: p.Thr464Ile; replaces threonine 464 with isoleucine.
Molecular consequence: missense variant.
Genome position (GRCh38, 1-based): chr1:169,550,645, G>A on the plus strand (C>T on the coding strand, the complement: F5 is on the minus strand). VCF-style: chr1-169550645-G-A. GRCh37 (hg19) VCF-style: chr1-169519883-G-A.
Other names: short protein forms T464I.
Identifiers: ClinVar variation 293629 (VCV000293629.13), dbSNP rs141768227, ClinGen allele CA1234328.

ClinVar aggregate classification (germline): Conflicting classifications of pathogenicity. Review status: criteria provided, conflicting classifications (1 of 4 stars). 5 submissions from 3 submitters: Uncertain significance (4); Likely benign (1). Last evaluated 2026-01-28.

Conditions:
Thrombophilia due to thrombin defect (THPH1). Also called: Thrombosis susceptibility; THROMBOPHILIA DUE TO FACTOR 2 DEFECT; Prothrombin-Related Thrombophilia (Factor II); Prothrombin Thrombophilia. Identifiers: MedGen C3160733, MONDO:0008559, OMIM 188050. Disease mechanism: gain of function, loss of function.
Congenital factor V deficiency. Also called: Hereditary factor V deficiency disease; LABILE FACTOR DEFICIENCY; PARAHEMOPHILIA; OWREN PARAHEMOPHILIA. Identifiers: Orphanet 326, MedGen C0015499, MONDO:0009210, OMIM 227400.
Budd-Chiari syndrome (BDCHS). Also called: Hepatic vein obstruction. Identifiers: Orphanet 131, MedGen C0856761, MONDO:0010947, OMIM 600880, HP:0002639.
Primary familial hypertrophic cardiomyopathy (HCM). Identifiers: Orphanet 99739, MedGen C0949658, MeSH D024741, MONDO:0024573. Inheritance: Various modes of inheritance.
Factor V deficiency. Also called: Reduced coagulation factor V activity. Identifiers: Orphanet 326, MedGen C4317320, MONDO:0020586, HP:0003225.

Allele frequency attached by ClinVar (database versions not stated): TOPMed 0.00004; ESP Exome Variant Server 0.00008; gnomAD exomes 0.00016 and 0.00037; ExAC 0.00026; 1000 Genomes Project 30x 0.00031; gnomAD 0.00037 and 0.00038; 1000 Genomes Project 0.00040.

Submissions (5):

Labcorp Genetics (formerly Invitae), Labcorp
Classification: Likely benign for Congenital factor V deficiency. Last evaluated: 2026-01-28. Review status: criteria provided, single submitter. Criteria: Invitae Variant Classification Sherloc (09022015). Collection method: clinical testing. Allele origin: germline.

Petrovsky National Research Centre of Surgery, The Federal Agency for Scientific Organizations
Classification: Uncertain significance for Primary familial hypertrophic cardiomyopathy. Last evaluated: 2025-12-22. Review status: criteria provided, single submitter. Criteria: ACMG Guidelines, 2015. Collection method: clinical testing. Allele origin: germline. Affected: yes. Observed: 1 variant allele.
Comment: The variant is in The Genome Aggregation Database (gnomAD) v4.1.0 with total 0.0001805. (Date of access 2025-12-22). In accordance with ACMG (2015) criteria this variant is classified as Uncertain significance with following criteria selected: BP4.

Illumina Laboratory Services, Illumina
Classification: Uncertain significance for Budd-Chiari syndrome. Last evaluated: 2018-01-13. Review status: criteria provided, single submitter. Criteria: ICSL Variant Classification Criteria 13 December 2019. Collection method: clinical testing. Allele origin: germline.

Illumina Laboratory Services, Illumina
Classification: Uncertain significance for Congenital factor V deficiency. Last evaluated: 2018-01-13. Review status: criteria provided, single submitter. Criteria: ICSL Variant Classification Criteria 13 December 2019. Collection method: clinical testing. Allele origin: germline.

Illumina Laboratory Services, Illumina
Classification: Uncertain significance for Venous thrombosis. Last evaluated: 2018-01-13. Review status: criteria provided, single submitter. Criteria: ICSL Variant Classification Criteria 13 December 2019. Collection method: clinical testing. Allele origin: germline.